The following is an entry in ClinVar:

NM_024570.4(RNASEH2B):c.589G>T (p.Gly197Cys)

Gene: RNASEH2B (ribonuclease H2 subunit B; plus strand). Cytogenetic location: 13q14.3.
Variant type: single nucleotide variant.
Coding change: c.589G>T on transcript NM_024570.4 (MANE Select); coding-DNA position 589, G replaced by T.
Protein change: p.Gly197Cys; replaces glycine 197 with cysteine.
Molecular consequence: missense variant.
Genome position (GRCh38, 1-based): chr13:50,945,505, G>T. VCF-style: chr13-50945505-G-T. GRCh37 (hg19) VCF-style: chr13-51519641-G-T.
Other names: c.589G>T, p.Gly197Cys (NM_001142279.2); c.589G>T (NM_024570.3); short protein forms G197C.
Identifiers: ClinVar variation 1470301 (VCV001470301.6), dbSNP rs745471919, ClinGen allele CA6985625.

ClinVar aggregate classification (germline): Uncertain significance. Review status: criteria provided, multiple submitters, no conflicts (2 of 4 stars). 2 submissions from 2 submitters: Uncertain significance (2). Last evaluated 2025-05-30.

Conditions:
Aicardi-Goutieres syndrome 2. Identifiers: Orphanet 51, MedGen C3489724, MONDO:0012429, OMIM 610181.
Inborn genetic diseases. Identifiers: MedGen C0950123, MeSH D030342.

Allele frequency attached by ClinVar (database versions not stated): TOPMed below 0.00001; ExAC 0.00002.
gnomAD v4.1: 35 of 1,613,358 alleles (0.0022%); highest among the groups gnomAD compares: Non-Finnish European, 0.0026%; no homozygotes.

Submissions (2):

Ambry Genetics
Classification: Uncertain significance for Inborn genetic diseases. Last evaluated: 2025-05-30. Review status: criteria provided, single submitter. Criteria: Ambry Variant Classification Scheme 2023. Collection method: clinical testing. Allele origin: germline.

Labcorp Genetics (formerly Invitae), Labcorp
Classification: Uncertain significance for Aicardi-Goutieres syndrome 2. Last evaluated: 2022-02-09. Review status: criteria provided, single submitter. Criteria: Invitae Variant Classification Sherloc (09022015). Collection method: clinical testing. Allele origin: germline.
Comment: This sequence change replaces glycine, which is neutral and non-polar, with cysteine, which is neutral and slightly polar, at codon 197 of the RNASEH2B protein (p.Gly197Cys). This variant is present in population databases (rs745471919, gnomAD 0.003%). This variant has not been reported in the literature in individuals affected with RNASEH2B-related conditions. Algorithms developed to predict the effect of missense changes on protein structure and function are either unavailable or do not agree on the potential impact of this missense change (SIFT: "Tolerated"; PolyPhen-2: "Probably Damaging"; Align-GVGD: "Class C0"). In summary, the available evidence is currently insufficient to determine the role of this variant in disease. Therefore, it has been classified as a Variant of Uncertain Significance.